The following is an entry in ClinVar:

NM_001048174.2(MUTYH):c.1189C>T (p.Gln397Ter)

Gene: MUTYH (mutY DNA glycosylase; minus strand). Cytogenetic location: 1p34.1.
Variant type: single nucleotide variant.
Coding change: c.1189C>T on transcript NM_001048174.2 (MANE Select); coding-DNA position 1189, C replaced by T.
Protein change: p.Gln397Ter; replaces glutamine 397 with a stop codon.
Molecular consequence: nonsense. On other transcripts: non-coding transcript variant (7).
Genome position (GRCh38, 1-based): chr1:45,331,470, G>A on the plus strand (C>T on the coding strand, the complement: MUTYH is on the minus strand). VCF-style: chr1-45331470-G-A. GRCh37 (hg19) VCF-style: chr1-45797142-G-A.
Other names: c.1273C>T, p.Gln425Ter (NM_001128425.2); c.1234C>T, p.Gln412Ter (NM_001293190.2); c.1222C>T, p.Gln408Ter (NM_001293191.2, NM_001407069.1, NM_001407077.1); c.913C>T, p.Gln305Ter (NM_001293192.2, NM_001293196.2, NM_001407091.1); c.1189C>T, p.Gln397Ter (NM_001293195.2, NM_001048171.2, NM_001048173.2 and 6 more transcripts); c.844C>T, p.Gln282Ter (NM_001350650.2, NM_001350651.2, NM_001407082.1); c.1192C>T, p.Gln398Ter (NM_001048172.2, NM_001407086.1, NM_001407071.1 and 1 more transcripts); c.1231C>T, p.Gln411Ter (NM_001407083.1, NM_001407085.1); and 5 more; short protein forms Q282*, Q305*, Q369*, Q422*, Q425*, Q383*, Q384*, Q412*.
Identifiers: ClinVar variation 3400123 (VCV003400123.3).
Genomic context (GRCh38, chr1:45,331,470, plus strand): 5'-GCTCACTTACCTCCCCAAGGTGCCGGAGGTGCGTGGCTGGGAGGGGCCCAGCCCAACGCT[G>A]TAGTTCCTGCAGCAGGGCCTTGCGCTGAAGCTGCTCTGAGGGCTCCCAGGTCACGGACGG-3'

ClinVar aggregate classification (germline): Pathogenic. Review status: criteria provided, multiple submitters, no conflicts (2 of 4 stars). 2 submissions from 2 submitters: Pathogenic (2). Last evaluated 2024-08-27.

Conditions:
Familial adenomatous polyposis 2. Also called: MUTYH Polyposis; COLORECTAL ADENOMATOUS POLYPOSIS, AUTOSOMAL RECESSIVE; ADENOMAS, MULTIPLE COLORECTAL, AUTOSOMAL RECESSIVE; MYH-associated polyposis; MUTYH-associated polyposis; MUTYH-related attenuated familial adenomatous polyposis. Identifiers: Orphanet 220460, Orphanet 247798, MedGen C3272841, MONDO:0012041, OMIM 608456.
Hereditary cancer-predisposing syndrome. Also called: Tumor predisposition; Hereditary Cancer Syndrome; Hereditary neoplastic syndrome; Neoplastic Syndromes, Hereditary. Identifiers: Orphanet 140162, MedGen C0027672, MeSH D009386, MONDO:0015356.

gnomAD v4.1: 1 of 1,614,230 alleles (0.000062%); highest among the groups gnomAD compares: Non-Finnish European, 0.000085%; no homozygotes.

Submissions (2):

Ambry Genetics
Classification: Pathogenic for Hereditary cancer-predisposing syndrome. Last evaluated: 2024-08-27. Review status: criteria provided, single submitter. Criteria: Ambry Variant Classification Scheme 2023. Collection method: clinical testing. Allele origin: germline.
Comment: The p.Q425* pathogenic mutation (also known as c.1273C>T), located in coding exon 13 of the MUTYH gene, results from a C to T substitution at nucleotide position 1273. This changes the amino acid from a glutamine to a stop codon within coding exon 13. This variant is considered to be rare based on population cohorts in the Genome Aggregation Database (gnomAD). This alteration is expected to result in loss of function by premature protein truncation or nonsense-mediated mRNA decay. As such, this alteration is interpreted as a disease-causing mutation.

Labcorp Genetics (formerly Invitae), Labcorp
Classification: Pathogenic for Familial adenomatous polyposis 2. Last evaluated: 2024-07-20. Review status: criteria provided, single submitter. Criteria: Invitae Variant Classification Sherloc (09022015). Collection method: clinical testing. Allele origin: germline.
Comment: This sequence change creates a premature translational stop signal (p.Gln425*) in the MUTYH gene. It is expected to result in an absent or disrupted protein product. Loss-of-function variants in MUTYH are known to be pathogenic (PMID: 18534194, 20663686). This variant is not present in population databases (gnomAD no frequency). This variant has not been reported in the literature in individuals affected with MUTYH-related conditions. For these reasons, this variant has been classified as Pathogenic.

Literature cited by the submitters: PubMed 18534194 (cited by Labcorp Genetics (formerly Invitae), Labcorp); PubMed 20663686 (cited by Labcorp Genetics (formerly Invitae), Labcorp).